The following is an entry in ClinVar:

ClinVar aggregate classification (germline): Uncertain significance (1 of 4 stars; one submission).

Conditions:
Baller-Gerold syndrome (BGS). Also called: CRANIOSYNOSTOSIS WITH RADIAL DEFECTS. Identifiers: Orphanet 1225, MedGen C0265308, MONDO:0009039, OMIM 218600.

Submission:

Labcorp Genetics (formerly Invitae), Labcorp
Classification: Uncertain significance for Baller-Gerold syndrome. Last evaluated: 2017-09-08. Review status: criteria provided, single submitter. Criteria: Invitae Variant Classification Sherloc (09022015). Collection method: clinical testing. Allele origin: germline.
Comment: Algorithms developed to predict the effect of missense changes on protein structure and function do not agree on the potential impact of this missense change (SIFT: "Deleterious"; PolyPhen-2: "Possibly Damaging"; Align-GVGD: "Class C0"). This variant has not been reported in the literature in individuals with RECQL4-related disease. This variant is not present in population databases (ExAC no frequency). This sequence change replaces valine with phenylalanine at codon 1139 of the RECQL4 protein (p.Val1139Phe). The valine residue is weakly conserved and there is a small physicochemical difference between valine and phenylalanine. In summary, the available evidence is currently insufficient to determine the role of this variant in disease. Therefore, it has been classified as a Variant of Uncertain Significance.

NM_004260.4(RECQL4):c.3415G>T (p.Val1139Phe)

Gene: RECQL4 (RecQ like helicase 4; minus strand). Cytogenetic location: 8q24.3.
Variant type: single nucleotide variant.
Coding change: c.3415G>T on transcript NM_004260.4 (MANE Select); coding-DNA position 3415, G replaced by T.
Protein change: p.Val1139Phe; replaces valine 1139 with phenylalanine.
Molecular consequence: missense variant.
Genome position (GRCh38, 1-based): chr8:144,511,768, C>A on the plus strand (G>T on the coding strand, the complement: RECQL4 is on the minus strand). VCF-style: chr8-144511768-C-A. GRCh37 (hg19) VCF-style: chr8-145737151-C-A.
Other names: short protein forms V1139F.
Identifiers: ClinVar variation 529041 (VCV000529041.4), dbSNP rs1431803679, ClinGen allele CA372667413.